The following is an entry in ClinVar:

NM_000702.4(ATP1A2):c.2105_2106del (p.Cys702fs)

Gene: ATP1A2 (ATPase Na+/K+ transporting subunit alpha 2; plus strand). Cytogenetic location: 1q23.2.
Variant type: Deletion.
Coding change: c.2105_2106del on transcript NM_000702.4 (MANE Select); coding-DNA positions 2105 to 2106, 2 bases deleted (GT; older notation c.2105_2106delGT).
Protein change: p.Cys702fs; shifts the reading frame from cysteine 702.
Molecular consequence: frameshift variant.
Genome position (GRCh38, 1-based): chr1:160,135,285-160,135,286, GT deleted; deleting any 2 consecutive bases within chr1:160,135,284-160,135,286 gives the same sequence; the c. name uses the placement nearest the transcript's 3' end. VCF-style (leftmost placement, unchanged base first): chr1-160135283-ATG-A. GRCh37 (hg19) VCF-style: chr1-160105073-ATG-A.
Other names: short protein forms C702fs.
Identifiers: ClinVar variation 562228 (VCV000562228.7), dbSNP rs1558008455, ClinGen allele CA913189844.
Genomic context (GRCh38, chr1:160,135,283, plus strand): 5'-CCACACAGAGATCGTCTTTGCTCGAACGTCTCCCCAGCAGAAGCTCATCATTGTGGAGGG[ATG>A]TCAGAGGCAGGTGAGCACAGCCACGGGAGGCAGATGACAGGCAGGGACCGGGGAGGCAGG-3'

ClinVar aggregate classification (germline): Pathogenic. Review status: criteria provided, single submitter (1 of 4 stars). 3 submissions from 3 submitters: Pathogenic (1). 2 of the submissions do not count toward it. Last evaluated 2025-04-08.

Conditions:
Familial hemiplegic migraine. Identifiers: MedGen C0338484, MONDO:0000700.
Fetal akinesia, respiratory insufficiency, microcephaly, polymicrogyria, and dysmorphic facies. Identifiers: MedGen C5562015, MONDO:0859204, OMIM 619602.

Submissions (3):

Labcorp Genetics (formerly Invitae), Labcorp
Classification: Pathogenic for Familial hemiplegic migraine. Last evaluated: 2025-04-08. Review status: criteria provided, single submitter. Criteria: Invitae Variant Classification Sherloc (09022015). Collection method: clinical testing. Allele origin: germline.
Comment: This sequence change creates a premature translational stop signal (p.Cys702Serfs*12) in the ATP1A2 gene. It is expected to result in an absent or disrupted protein product. Loss-of-function variants in ATP1A2 are known to be pathogenic (PMID: 30690204). This variant is not present in population databases (gnomAD no frequency). This premature translational stop signal has been observed in individual(s) with ATP1A2-related conditions (PMID: 30690204). This variant is also known as c.2104_2105delTG. ClinVar contains an entry for this variant (Variation ID: 562228). For these reasons, this variant has been classified as Pathogenic.

Mendelics
Classification: Likely pathogenic for Fetal akinesia, respiratory insufficiency, microcephaly, polymicrogyria, and dysmorphic facies. Last evaluated: 2024-11-15. Review status: no assertion criteria provided. Collection method: clinical testing. Allele origin: inherited. Affected: yes. Not counted in ClinVar's aggregate classification.

OMIM
Classification: Pathogenic for FETAL AKINESIA, RESPIRATORY INSUFFICIENCY, MICROCEPHALY, POLYMICROGYRIA, AND DYSMORPHIC FACIES. Last evaluated: 2021-11-10. Review status: no assertion criteria provided. Collection method: literature only. Allele origin: germline. Not counted in ClinVar's aggregate classification.

Literature cited by the submitters: PubMed 30690204 (cited by 3 submitters).